The following is an entry in ClinVar:

ClinVar aggregate classification (germline): Uncertain significance. Review status: criteria provided, multiple submitters, no conflicts (2 of 4 stars). 2 submissions from 2 submitters: Uncertain significance (2). Last evaluated 2025-08-03.

Conditions:
Inborn genetic diseases. Identifiers: MedGen C0950123, MeSH D030342.
Developmental and epileptic encephalopathy. Identifiers: MedGen C5779964, MONDO:0100620.

Allele frequency attached by ClinVar (database versions not stated): TOPMed below 0.00001.
gnomAD v4.1: 2 of 1,613,656 alleles (0.00012%); highest among the groups gnomAD compares: Non-Finnish European, 0.000085%; no homozygotes.

Submissions (2):

Ambry Genetics
Classification: Uncertain significance for Inborn genetic diseases. Last evaluated: 2025-08-03. Review status: criteria provided, single submitter. Criteria: Ambry Variant Classification Scheme 2023. Collection method: clinical testing. Allele origin: germline.

Labcorp Genetics (formerly Invitae), Labcorp
Classification: Uncertain significance for Early-infantile DEE. Last evaluated: 2022-07-26. Review status: criteria provided, single submitter. Criteria: Invitae Variant Classification Sherloc (09022015). Collection method: clinical testing. Allele origin: germline.
Comment: This sequence change replaces arginine, which is basic and polar, with histidine, which is basic and polar, at codon 828 of the CACNA2D2 protein (p.Arg828His). The frequency data for this variant in the population databases is considered unreliable, as metrics indicate poor data quality at this position in the gnomAD database. This variant has not been reported in the literature in individuals affected with CACNA2D2-related conditions. ClinVar contains an entry for this variant (Variation ID: 943929). Algorithms developed to predict the effect of missense changes on protein structure and function output the following: SIFT: "Deleterious"; PolyPhen-2: "Benign"; Align-GVGD: "Class C0". The histidine amino acid residue is found in multiple mammalian species, which suggests that this missense change does not adversely affect protein function. In summary, the available evidence is currently insufficient to determine the role of this variant in disease. Therefore, it has been classified as a Variant of Uncertain Significance.

NM_006030.4(CACNA2D2):c.2483G>A (p.Arg828His)

Genes: CACNA2D2 (calcium voltage-gated channel auxiliary subunit alpha2delta 2; minus strand), LOC127898564 (CYB561D2-LOC101928965; plus strand), LOC101928965 (uncharacterized LOC101928965; plus strand). Cytogenetic location: 3p21.31.
Variant type: single nucleotide variant.
Coding change: c.2483G>A on transcript NM_006030.4 (MANE Select); coding-DNA position 2483, G replaced by A.
Protein change: p.Arg828His; replaces arginine 828 with histidine.
Molecular consequence: missense variant.
Genome position (GRCh38, 1-based): chr3:50,367,028, C>T on the plus strand (G>A on the coding strand, the complement: CACNA2D2 is on the minus strand). VCF-style: chr3-50367028-C-T. GRCh37 (hg19) VCF-style: chr3-50404459-C-T.
Other names: c.2483G>A, p.Arg828His (NM_001005505.3); c.2504G>A, p.Arg835His (NM_001174051.3); c.2276G>A, p.Arg759His (NM_001291101.1); c.2504G>A (NM_001174051.1); short protein forms R759H, R828H, R835H.
Identifiers: ClinVar variation 943929 (VCV000943929.6), dbSNP rs749804420, ClinGen allele CA2418471.